The following is an entry in ClinVar:

NM_017780.4(CHD7):c.1953dup (p.Asp652fs)

Genes: CHD7 (chromodomain helicase DNA binding protein 7; plus strand), LOC126860403 (CDK7 strongly-dependent group 2 enhancer GRCh37_chr8:61693034-61694233; plus strand). Cytogenetic location: 8q12.2.
Variant type: Duplication.
Coding change: c.1953dup on transcript NM_017780.4 (MANE Select); coding-DNA position 1953, one base duplicated (A; older notation c.1953dupA).
Protein change: p.Asp652fs; shifts the reading frame from aspartic acid 652.
Molecular consequence: frameshift variant. On other transcripts: intron variant (1).
Genome position (GRCh38, 1-based): chr8:60,781,287, A duplicated; the last of 7 consecutive A bases (chr8:60,781,281-60,781,287); duplicating any one gives the same sequence. VCF-style (leftmost placement, unchanged base first): chr8-60781280-C-CA. GRCh37 (hg19) VCF-style: chr8-61693839-C-CA.
Other names: c.1716+237dup (NM_001316690.1); c.1953dup (NM_017780.2); c.1953dupA (NM_017780.3); short protein forms D652fs.
Identifiers: ClinVar variation 1069874 (VCV001069874.12), dbSNP rs2150669843, ClinGen allele CA2499219364.

ClinVar aggregate classification (germline): Pathogenic/Likely pathogenic. Review status: criteria provided, multiple submitters, no conflicts (2 of 4 stars). 4 submissions from 4 submitters: Pathogenic (2); Likely pathogenic (1). 1 of the submissions does not count toward it. Last evaluated 2026-08-21.

Conditions:
CHARGE syndrome (CHARGE). Also called: Hittner Hirsch Kreh syndrome; CHARGE ASSOCIATION--COLOBOMA, HEART ANOMALY, CHOANAL ATRESIA, RETARDATION, GENITAL AND EAR ANOMALIES; Coloboma, heart anomaly, choanal atresia, retardation, genital and ear anomalies; CHARGE association; Hall-Hittner syndrome. Identifiers: Orphanet 138, MedGen C0265354, MONDO:0008965.
CHD7-related disorder. Also called: CHD7-related condition.

Submissions (4):

GeneDx
Classification: Pathogenic. Last evaluated: 2026-08-21. Review status: criteria provided, single submitter. Criteria: GeneDx Variant Classification Process June 2021. Collection method: clinical testing. Allele origin: germline.
Comment: Frameshift variant predicted to result in protein truncation or nonsense mediated decay in a gene for which loss of function is a known mechanism of disease; Not observed at significant frequency in large population cohorts (gnomAD); This variant is associated with the following publications: (PMID: 22461308)

Labcorp Genetics (formerly Invitae), Labcorp
Classification: Pathogenic for CHARGE syndrome. Last evaluated: 2015-08-08. Review status: criteria provided, single submitter. Criteria: Invitae Variant Classification Sherloc (09022015). Collection method: clinical testing. Allele origin: germline.
Comment: For these reasons, this variant has been classified as Pathogenic. Truncating variants in CHD7 are known to be pathogenic. This particular truncation has been reported in the literature in 4 patients with CHARGE syndrome (PMID: 22461308). This sequence change inserts 1 nucleotide in exon 3 of the CHD7 mRNA (NM_017780.3:c.1953dupA), causing a frameshift at codon 652. This creates a premature translational stop signal (p.Asp652Argfs*24) and is expected to result in an absent or disrupted protein product.

Neuberg Centre For Genomic Medicine, NCGM
Classification: Likely pathogenic for CHD7-related CHARGE syndrome. Review status: criteria provided, single submitter. Criteria: ACMG Guidelines, 2015. Collection method: clinical testing. Allele origin: germline. Inheritance: Autosomal dominant inheritance. Affected: yes.
Comment: The frameshift c.1953dup (p.Asp652ArgfsTer24) variant in CHD7 gene has been submitted to the ClinVar database as Pathogenic, but no details are available for independent assessment. Another frameshift variant [c.1953delA; p.Asp652fs] at this position in CHD7 gene has previously been reported in an individual affected with CHD7-related disorders (Huang et al., 2023). The p.Asp652ArgfsTer24 variant is absent in gnomAD Exomes. This variant causes a frameshift starting with codon Aspartic Acid 652, changes this amino acid to Arginine residue, and creates a premature Stop codon at position 24 of the new reading frame, denoted p.Asp652ArgfsTer24. This variant is predicted to cause loss of normal protein function through protein truncation. Loss of function variants have been previously reported to be disease causing. However, additional functional studies will be required to prove the pathogenicity of this variant. For these reasons, this variant has been classified as Likely Pathogenic.

PreventionGenetics, part of Exact Sciences
Classification: Pathogenic for CHD7-related condition. Last evaluated: 2023-11-07. Review status: no assertion criteria provided. Collection method: clinical testing. Allele origin: germline. Not counted in ClinVar's aggregate classification.
Comment: The CHD7 c.1953dupA variant is predicted to result in a frameshift and premature protein termination (p.Asp652Argfs*24). This variant has been reported de novo in individuals with CHARGE syndrome (Table S1A, Janssen et al. 2012. PubMed ID: 22461308). This variant has not been reported in a large population database, indicating this variant is rare. Frameshift variants in CHD7 are expected to be pathogenic. This variant is interpreted as pathogenic.

Literature cited by the submitters: PubMed 22461308 (cited by Labcorp Genetics (formerly Invitae), Labcorp); PubMed 7 (cited by Labcorp Genetics (formerly Invitae), Labcorp).